The following is an entry in ClinVar:

NM_000553.6(WRN):c.1982G>C (p.Gly661Ala)

Gene: WRN (WRN RecQ like helicase; plus strand). Cytogenetic location: 8p12.
Variant type: single nucleotide variant.
Coding change: c.1982G>C on transcript NM_000553.6 (MANE Select); coding-DNA position 1982, G replaced by C.
Protein change: p.Gly661Ala; replaces glycine 661 with alanine.
Molecular consequence: missense variant.
Genome position (GRCh38, 1-based): chr8:31,100,849, G>C. VCF-style: chr8-31100849-G-C. GRCh37 (hg19) VCF-style: chr8-30958365-G-C.
Other names: short protein forms G661A.
Identifiers: ClinVar variation 2154119 (VCV002154119.4), dbSNP rs755426500, ClinGen allele CA370908132.

ClinVar aggregate classification (germline): Uncertain significance (1 of 4 stars; one submission).

Conditions:
Werner syndrome (WRN). Identifiers: Orphanet 902, MedGen C0043119, MONDO:0010196, OMIM 277700.

gnomAD v4.1: 1 of 1,611,944 alleles (0.000062%); highest among the groups gnomAD compares: Non-Finnish European, 0.000085%; no homozygotes.

Submission:

Labcorp Genetics (formerly Invitae), Labcorp
Classification: Uncertain significance for Werner syndrome. Last evaluated: 2023-08-17. Review status: criteria provided, single submitter. Criteria: Invitae Variant Classification Sherloc (09022015). Collection method: clinical testing. Allele origin: germline.
Comment: ClinVar contains an entry for this variant (Variation ID: 2154119). This sequence change replaces glycine, which is neutral and non-polar, with alanine, which is neutral and non-polar, at codon 661 of the WRN protein (p.Gly661Ala). This variant is not present in population databases (gnomAD no frequency). This variant has not been reported in the literature in individuals affected with WRN-related conditions. An algorithm developed to predict the effect of missense changes on protein structure and function (PolyPhen-2) suggests that this variant is likely to be disruptive. Algorithms developed to predict the effect of sequence changes on RNA splicing suggest that this variant may disrupt the consensus splice site. In summary, the available evidence is currently insufficient to determine the role of this variant in disease. Therefore, it has been classified as a Variant of Uncertain Significance.